The following is an entry in ClinVar:

ClinVar aggregate classification (germline): Conflicting classifications of pathogenicity. Review status: criteria provided, conflicting classifications (1 of 4 stars). 9 submissions from 9 submitters: Pathogenic (1); Likely pathogenic (1); Uncertain significance (7). Last evaluated 2025-10-26.

Conditions:
Cardiovascular phenotype. Identifiers: MedGen CN230736.
Cardiomyopathy, familial restrictive, 3. Identifiers: Orphanet 75249, MedGen C2676271, MONDO:0012900, OMIM 612422.
Dilated cardiomyopathy 1D. Identifiers: Orphanet 154, Orphanet 54260, MedGen C1832243, MONDO:0011095, OMIM 601494.
Hypertrophic cardiomyopathy 2. Also called: TNNT2-Related Familial Hypertrophic Cardiomyopathy. Identifiers: MedGen C1861864, MONDO:0007266, OMIM 115195.
Cardiomyopathy (CMYO). Also called: Cardiomyopathies. Identifiers: Orphanet 167848, MedGen C0878544, MONDO:0004994, HP:0001638. Inheritance: Various modes of inheritance.

Allele frequency attached by ClinVar (database versions not stated): gnomAD exomes below 0.00001.
gnomAD v4.1: 2 of 1,614,166 alleles (0.00012%); highest among the groups gnomAD compares: Non-Finnish European, 0.00017%; no homozygotes.

Submissions (9):

Labcorp Genetics (formerly Invitae), Labcorp
Classification: Pathogenic for Cardiomyopathy, familial restrictive, 3; Hypertrophic cardiomyopathy 2; Dilated cardiomyopathy 1D. Last evaluated: 2025-10-26. Review status: criteria provided, single submitter. Criteria: Invitae Variant Classification Sherloc (09022015). Collection method: clinical testing. Allele origin: germline.
Comment: This sequence change replaces arginine, which is basic and polar, with glutamine, which is neutral and polar, at codon 159 of the TNNT2 protein (p.Arg159Gln). This variant is not present in population databases (gnomAD no frequency). This missense change has been observed in individuals with dilated cardiomyopathy (PMID: 20031601, 27532257, 31983221, 33500567, 35653365, 36166435; internal data). This variant is also known as p.Arg169Gln. ClinVar contains an entry for this variant (Variation ID: 43647). Invitae Evidence Modeling of protein sequence and biophysical properties (such as structural, functional, and spatial information, amino acid conservation, physicochemical variation, residue mobility, and thermodynamic stability) indicates that this missense variant is not expected to disrupt TNNT2 protein function with a negative predictive value of 80%. Experimental studies have shown that this missense change affects TNNT2 function (PMID: 20031601). For these reasons, this variant has been classified as Pathogenic.

Dasa
Classification: Uncertain significance for Dilated cardiomyopathy 1D. Last evaluated: 2025-08-17. Review status: criteria provided, single submitter. Criteria: DASA Assertion Criteria. Collection method: clinical testing. Allele origin: germline.
Comment: NM_001276345.2(TNNT2):c.506G>A (p.Arg169Gln) is a missense variant that results in the substitution of arginine with glutamine. The affected residue or protein region has prior evidence supporting clinical relevance. This variant has been reported in individuals with TNNT2-related disorders. Functional evidence supports an impact on the gene or gene product. Also, this variant is absent from population databases. The currently available literature and clinical evidence are not sufficient to establish a definitive association between this variant and the reported condition. Therefore, this variant is classified as a variant of uncertain significance.

GeneDx
Classification: Uncertain significance. Last evaluated: 2023-12-28. Review status: criteria provided, single submitter. Criteria: GeneDx Variant Classification Process June 2021. Collection method: clinical testing. Allele origin: germline. Affected: yes.
Comment: Reported in association with cardiomyopathy (PMID: 19412328, 21483645, 27532257, 31983221); Reported to decrease calcium sensitivity of the myofilaments, which could lead to altered contractility dynamics of the heart; however, it is not known whether these findings are biological or clinically relevant in vivo (PMID: 20031601); Not observed at significant frequency in large population cohorts (gnomAD); In silico analysis supports that this missense variant has a deleterious effect on protein structure/function; This variant is associated with the following publications: (PMID: 20458009, 27532257, 21483645, 31983221, 27535533, 33500567, 36166435, 37466024, 35653365, 19412328, 20031601)

Victorian Clinical Genetics Services, Murdoch Childrens Research Institute
Classification: Likely pathogenic for Dilated cardiomyopathy 1D. Last evaluated: 2021-05-06. Review status: criteria provided, single submitter. Criteria: ACMG Guidelines, 2015. Collection method: clinical testing. Allele origin: germline. Inheritance: Autosomal dominant inheritance. Affected: yes.
Comment: Based on the classification scheme VCGS_Germline_v1.3.4, this variant is classified as Likely pathogenic. Following criteria are met: 0105 - The mechanism of disease for this gene is not clearly established. Functional studies have suggested loss-of-function, gain-of-function and dominant-negative mechanisms based on calcium sensitivity, contractibility and mouse models (PMID: 18612386, 32098556, 33025817). (I) 0107 - This gene is associated with autosomal dominant disease. (I) 0115 - Variants in this gene are known to have variable expressivity. p.(Arg92Gln) has been described in families which has both dilated cardiomyopathy (DCM) and hypertrophic cardimyopathy (PMID: 26507537). (I) 0200 - Variant is predicted to result in a missense amino acid change from arginine to glutamine. (I) 0251 - This variant is heterozygous. (I) 0301 - Variant is absent from gnomAD (both v2 and v3). (SP) 0502 - Missense variant with conflicting in silico predictions and uninformative conservation. (I) 0600 - Variant is located in the annotated troponin domain (NCBI). (I) 0705 - No comparable missense variants have previous evidence for pathogenicity. (I) 0808 - Previous reports of pathogenicity for this variant are conflicting. This variant has been reported in at least three unrelated individuals with DCM (ClinVar, PMID: 20458009, 19412328, 20031601, 27532257, 31983221), and has been described as both likely pathogenic and as a VUS (ClinVar, LOVD). Additionally, it has been observed in another individual with DCM and classified using ACMG guidelines as pathogenic. However, this publication is yet to be peer reviewed (Lesurf R, et al. (2020)). (I) 0905 - No published segregation evidence has been identified for this variant. (I) 1002 - This variant has moderate functional evidence supporting abnormal protein function. Functional studies using porcine cardiac fibres demonstrated that this variant results in reduced calcium sensitivity (PMID: 20031601). (SP) 1208 - Inheritance information for this variant is not currently available in this individual. (I) Legend: (SP) - Supporting pathogenic, (I) - Information, (SB) - Supporting benign

Ambry Genetics
Classification: Uncertain significance for Cardiovascular phenotype. Last evaluated: 2021-04-21. Review status: criteria provided, single submitter. Criteria: Ambry Variant Classification Scheme 2023. Collection method: clinical testing. Allele origin: germline.

AiLife Diagnostics
Classification: Uncertain significance. Last evaluated: 2020-06-01. Review status: criteria provided, single submitter. Criteria: ACMG Guidelines, 2015. Collection method: clinical testing. Allele origin: germline. Affected: yes. Observed: 1 variant allele.

CHEO Genetics Diagnostic Laboratory, Children's Hospital of Eastern Ontario
Classification: Uncertain significance for Cardiomyopathy. Last evaluated: 2019-08-15. Review status: criteria provided, single submitter. Criteria: ACMG Guidelines, 2015. Collection method: clinical testing. Allele origin: germline.

Laboratory for Molecular Medicine, Mass General Brigham Personalized Medicine
Classification: Uncertain significance. Last evaluated: 2016-05-27. Review status: criteria provided, single submitter. Criteria: LMM Criteria. Collection method: clinical testing. Allele origin: germline. Observed: 4 variant alleles.
Comment: Variant classified as Uncertain Significance - Favor Pathogenic. It segre gated with disease in 1 affected relative (Hershberger 2008, Morales 2010, LMM u npublished data). Studies have shown that the p.Arg159Gln variant may affect pro per myocyte function (Hershberger 2009); however, this in vitro assay may not ac curately represent biological function. This variant has not been identified by large population studies and was predicted to be pathogenic using a computationa l tool clinically validated by our laboratory. This tool's pathogenic prediction is estimated to be correct 94% of the time (Jordan 2011). In summary, while the re is some suspicion for a pathogenic role, the clinical significance of the p.A rg159Gln variant is uncertain.

Stanford Center for Inherited Cardiovascular Disease, Stanford University
Classification: Uncertain significance. Last evaluated: 2012-03-14. Review status: criteria provided, single submitter. Criteria: ACMG Guidelines, 2015. Collection method: provider interpretation. Allele origin: germline.

Literature cited by the submitters: PubMed 20031601 (cited by 4 submitters); PubMed 27532257 (cited by 3 submitters); PubMed 31983221 (cited by Labcorp Genetics (formerly Invitae), Labcorp and Victorian Clinical Genetics Services, Murdoch Childrens Research Institute); PubMed 33500567 (cited by Labcorp Genetics (formerly Invitae), Labcorp); PubMed 35653365 (cited by Labcorp Genetics (formerly Invitae), Labcorp); PubMed 36166435 (cited by Labcorp Genetics (formerly Invitae), Labcorp); PubMed 18612386 (cited by Victorian Clinical Genetics Services, Murdoch Childrens Research Institute); PubMed 19412328 (cited by 3 submitters); PubMed 20458009 (cited by Victorian Clinical Genetics Services, Murdoch Childrens Research Institute and Laboratory for Molecular Medicine, Mass General Brigham Personalized Medicine); PubMed 26507537 (cited by Victorian Clinical Genetics Services, Murdoch Childrens Research Institute); PubMed 32098556 (cited by Victorian Clinical Genetics Services, Murdoch Childrens Research Institute); PubMed 33025817 (cited by Victorian Clinical Genetics Services, Murdoch Childrens Research Institute).

NM_001276345.2(TNNT2):c.506G>A (p.Arg169Gln)

Gene: TNNT2 (troponin T2, cardiac type; minus strand). Cytogenetic location: 1q32.1.
Variant type: single nucleotide variant.
Coding change: c.506G>A on transcript NM_001276345.2 (MANE Select); coding-DNA position 506, G replaced by A.
Protein change: p.Arg169Gln; replaces arginine 169 with glutamine.
Molecular consequence: missense variant.
Genome position (GRCh38, 1-based): chr1:201,363,390, C>T on the plus strand (G>A on the coding strand, the complement: TNNT2 is on the minus strand). VCF-style: chr1-201363390-C-T. GRCh37 (hg19) VCF-style: chr1-201332518-C-T.
Other names: c.506G>A, p.Arg169Gln (NM_000364.4); c.476G>A, p.Arg159Gln (NM_001001430.3, NM_001001431.3, NM_001276347.2); c.461G>A, p.Arg154Gln (NM_001001432.3); c.386G>A, p.Arg129Gln (NM_001276346.2); short protein forms R159Q, R169Q, R154Q, R129Q.
Identifiers: ClinVar variation 43647 (VCV000043647.23), dbSNP rs45501500, ClinGen allele CA004638.